The following is an entry in ClinVar:

ClinVar aggregate classification (germline): Conflicting classifications of pathogenicity. Review status: criteria provided, conflicting classifications (1 of 4 stars). 15 submissions from 15 submitters: Uncertain significance (2); Benign (2); Likely benign (7). 4 of the submissions do not count toward it. Last evaluated 2026-08-01.

Conditions:
Inborn genetic diseases. Identifiers: MedGen C0950123, MeSH D030342.
CHARGE syndrome (CHARGE). Also called: Hittner Hirsch Kreh syndrome; Coloboma, heart anomaly, choanal atresia, retardation, genital and ear anomalies; CHARGE association; Hall-Hittner syndrome; CHARGE ASSOCIATION--COLOBOMA, HEART ANOMALY, CHOANAL ATRESIA, RETARDATION, GENITAL AND EAR ANOMALIES. Identifiers: Orphanet 138, MedGen C0265354, MONDO:0008965.
Hypogonadotropic hypogonadism 5 with or without anosmia (KAL5). Also called: CHD7-Related GnRH Deficiency (Kallmann Syndrome 5); HYPOGONADOTROPIC HYPOGONADISM 5 WITH ANOSMIA; HYPOGONADOTROPHIC HYPOGONADISM 5 WITHOUT ANOSMIA. Identifiers: Orphanet 478, MedGen C3552553, MONDO:0012880, OMIM 612370. Disease mechanism: loss of function.

Allele frequency attached by ClinVar (database versions not stated): 1000 Genomes Project 0.00040; 1000 Genomes Project 30x 0.00047; ESP Exome Variant Server 0.00096; gnomAD exomes 0.00103 and 0.00205; ExAC 0.00118; gnomAD 0.00135 and 0.00137; TOPMed 0.00144.
gnomAD v4.1: 3,182 of 1,613,542 alleles (0.2%); highest among the groups gnomAD compares: Non-Finnish European, 0.25%; 5 homozygotes.

Submissions (15):

CeGaT Center for Human Genetics Tuebingen
Classification: Likely benign. Last evaluated: 2026-08-01. Review status: criteria provided, single submitter. Criteria: CeGaT Center For Human Genetics Tuebingen Variant Classification Criteria Version 2. Collection method: clinical testing. Allele origin: germline. Affected: yes. Observed: 8 variant alleles.
Comment: CHD7: BS1

Labcorp Genetics (formerly Invitae), Labcorp
Classification: Likely benign for CHARGE syndrome. Last evaluated: 2026-01-30. Review status: criteria provided, single submitter. Criteria: Invitae Variant Classification Sherloc (09022015). Collection method: clinical testing. Allele origin: germline.

Blueprint Genetics
Classification: Likely benign. Last evaluated: 2024-11-12. Review status: criteria provided, single submitter. Criteria: ACMG Guidelines, 2015. Collection method: clinical testing. Allele origin: germline.

Ambry Genetics
Classification: Likely benign for Inborn genetic diseases. Last evaluated: 2021-10-21. Review status: criteria provided, single submitter. Criteria: Ambry Variant Classification Scheme 2023. Collection method: clinical testing. Allele origin: germline.

GeneDx
Classification: Benign. Last evaluated: 2019-10-14. Review status: criteria provided, single submitter. Criteria: GeneDx Variant Classification Process June 2021. Collection method: clinical testing. Allele origin: germline. Affected: yes.
Comment: This variant is associated with the following publications: (PMID: 24862881, 29419413, 23533228, 16763960, 22539353, 28135719, 18834967)

Institute for Genomic Medicine (IGM) Clinical Laboratory, Nationwide Children's Hospital
Classification: Likely benign. Last evaluated: 2017-07-17. Review status: criteria provided, single submitter. Criteria: ACMG Guidelines, 2015. Collection method: clinical testing. Allele origin: germline.
Comment: BS1, BP1, BP6; This alteration has an allele frequency that is greater than expected for the associated disease, is a missense alteration in a gene for which primarily truncating variants are known to cause disease, and was reported as a benign/likely benign alteration by a reputable source (ClinVar or other correspondence from a clinical testing laboratory).

Illumina Laboratory Services, Illumina
Classification: Benign for Kallmann Syndrome 5. Last evaluated: 2017-04-27. Review status: criteria provided, single submitter. Criteria: ICSL Variant Classification Criteria 13 December 2019. Collection method: clinical testing. Allele origin: germline.
Comment: This variant was observed as part of a predisposition screen in an ostensibly healthy population. A literature search was performed for the gene, cDNA change, and amino acid change (where applicable). Publications were found based on this search. The evidence from the literature, in combination with allele frequency data from public databases where available, was sufficient to rule this variant out of causing disease. Therefore, this variant is classified as benign.

Genetic Services Laboratory, University of Chicago
Classification: Uncertain significance. Last evaluated: 2016-11-07. Review status: criteria provided, single submitter. Criteria: ACMG Guidelines, 2015. Collection method: clinical testing. Allele origin: germline. Affected: no.

Center for Human Genetics, Inc
Classification: Uncertain significance for CHARGE syndrome. Last evaluated: 2016-11-01. Review status: criteria provided, single submitter. Criteria: ACMG Guidelines, 2015. Collection method: clinical testing. Allele origin: germline. Affected: yes.

Eurofins Ntd Llc (ga)
Classification: Likely benign. Last evaluated: 2016-04-19. Review status: criteria provided, single submitter. Criteria: EGL Classification Definitions 2015. Collection method: clinical testing. Allele origin: germline. Observed: 4 variant alleles, 4 heterozygotes.

PreventionGenetics, part of Exact Sciences
Classification: Likely benign. Review status: criteria provided, single submitter. Criteria: ACMG Guidelines, 2015. Collection method: clinical testing. Allele origin: germline.

Clinical Genetics DNA and cytogenetics Diagnostics Lab, Erasmus MC, Erasmus Medical Center
Classification: Likely benign. Review status: no assertion criteria provided. Collection method: clinical testing. Allele origin: germline. Affected: yes. Study: VKGL Data-share Consensus. Not counted in ClinVar's aggregate classification.

Diagnostic Laboratory, Department of Genetics, University Medical Center Groningen
Classification: Likely benign. Review status: no assertion criteria provided. Collection method: clinical testing. Allele origin: germline. Affected: yes. Study: VKGL Data-share Consensus. Not counted in ClinVar's aggregate classification.

Joint Genome Diagnostic Labs from Nijmegen and Maastricht, Radboudumc and MUMC+
Classification: Likely benign. Review status: no assertion criteria provided. Collection method: clinical testing. Allele origin: germline. Affected: yes. Study: VKGL Data-share Consensus. Not counted in ClinVar's aggregate classification.

Laboratory of Diagnostic Genome Analysis, Leiden University Medical Center (LUMC)
Classification: Likely benign. Review status: no assertion criteria provided. Collection method: clinical testing. Allele origin: germline. Affected: yes. Study: VKGL Data-share Consensus. Not counted in ClinVar's aggregate classification.

Literature cited by the submitters: PubMed 22539353 (cited by Illumina Laboratory Services, Illumina).

NM_017780.4(CHD7):c.1397C>T (p.Ser466Leu)

Gene: CHD7 (chromodomain helicase DNA binding protein 7; plus strand). Cytogenetic location: 8q12.2.
Variant type: single nucleotide variant.
Coding change: c.1397C>T on transcript NM_017780.4 (MANE Select); coding-DNA position 1397, C replaced by T.
Protein change: p.Ser466Leu; replaces serine 466 with leucine.
Molecular consequence: missense variant.
Genome position (GRCh38, 1-based): chr8:60,742,829, C>T. VCF-style: chr8-60742829-C-T. GRCh37 (hg19) VCF-style: chr8-61655388-C-T.
Other names: c.1397C>T, p.Ser466Leu (NM_001316690.1); short protein forms S466L.
Identifiers: ClinVar variation 260891 (VCV000260891.63), dbSNP rs71640285, ClinGen allele CA4759487.